The following is an entry in ClinVar:

ClinVar aggregate classification (germline): Uncertain significance (1 of 4 stars; one submission).

Conditions:
Catecholaminergic polymorphic ventricular tachycardia (CVPT). Also called: Catecholamine-induced polymorphic ventricular tachycardia. Identifiers: Orphanet 3286, MedGen C5574922, MONDO:0017990.

gnomAD v4.1: 2 of 1,613,860 alleles (0.00012%); no homozygotes.

Submission:

All of Us Research Program, National Institutes of Health
Classification: Uncertain significance for Catecholaminergic polymorphic ventricular tachycardia. Last evaluated: 2023-04-27. Review status: criteria provided, single submitter. Criteria: ACMG Guidelines, 2015. Collection method: clinical testing. Allele origin: germline. Inheritance: Autosomal dominant inheritance. Observed: 1 variant allele, 1 heterozygote.
Comment: This study involves interpretation of variants in research participants for the purpose of population health screening. Participant phenotype was not available at the time of variant classification. Additional details can be found in publication PMID: 35346344, PMCID: PMC8962531

NM_001035.3(RYR2):c.7314C>G (p.Ile2438Met)

Gene: RYR2 (ryanodine receptor 2; plus strand). Cytogenetic location: 1q43.
Variant type: single nucleotide variant.
Coding change: c.7314C>G on transcript NM_001035.3 (MANE Select); coding-DNA position 7314, C replaced by G.
Protein change: p.Ile2438Met; replaces isoleucine 2438 with methionine.
Molecular consequence: missense variant.
Genome position (GRCh38, 1-based): chr1:237,643,419, C>G. VCF-style: chr1-237643419-C-G. GRCh37 (hg19) VCF-style: chr1-237806719-C-G.
Other names: short protein forms I2438M.
Identifiers: ClinVar variation 3070623 (VCV003070623.1), dbSNP rs374418643, ClinGen allele CA345397043.